The following is an entry in ClinVar:

ClinVar aggregate classification (germline): Benign/Likely benign. Review status: criteria provided, multiple submitters, no conflicts (2 of 4 stars). 4 submissions from 4 submitters: Benign (2); Likely benign (2). Last evaluated 2025-12-29.

Conditions:
Charcot-Marie-Tooth Neuropathy X. Identifiers: MedGen CN118851.
Combined oxidative phosphorylation deficiency. Identifiers: MedGen C4540031, MONDO:0000732.

Allele frequency attached by ClinVar (database versions not stated): TOPMed below 0.00001; gnomAD 0.00005; gnomAD exomes 0.00016 and 0.00034; 1000 Genomes Project 30x 0.00021; 1000 Genomes Project 0.00026; ExAC 0.00043.
gnomAD v4.1: 181 of 1,209,924 alleles (0.015%); highest among the groups gnomAD compares: South Asian, 0.31%; no homozygotes.

Submissions (4):

Labcorp Genetics (formerly Invitae), Labcorp
Classification: Benign for Charcot-Marie-Tooth Neuropathy X; Combined oxidative phosphorylation deficiency. Last evaluated: 2025-12-29. Review status: criteria provided, single submitter. Criteria: Invitae Variant Classification Sherloc (09022015). Collection method: clinical testing. Allele origin: germline.

Blueprint Genetics
Classification: Benign. Last evaluated: 2024-08-29. Review status: criteria provided, single submitter. Criteria: ACMG Guidelines, 2015. Collection method: clinical testing. Allele origin: germline.

CeGaT Center for Human Genetics Tuebingen
Classification: Likely benign. Last evaluated: 2023-10-01. Review status: criteria provided, single submitter. Criteria: CeGaT Center For Human Genetics Tuebingen Variant Classification Criteria Version 2. Collection method: clinical testing. Allele origin: germline. Affected: yes. Observed: 1 variant allele.
Comment: AIFM1: BP4, BS2

GeneDx
Classification: Likely benign. Last evaluated: 2019-06-21. Review status: criteria provided, single submitter. Criteria: GeneDx Variant Classification Process June 2021. Collection method: clinical testing. Allele origin: germline. Affected: yes.

NM_004208.4(AIFM1):c.1458G>A (p.Leu486=)

Genes: RAB33A (RAB33A, member RAS oncogene family; plus strand), AIFM1 (apoptosis inducing factor mitochondria associated 1; minus strand). Cytogenetic location: Xq26.1.
Variant type: single nucleotide variant.
Coding change: c.1458G>A on transcript NM_004208.4 (MANE Select); coding-DNA position 1458, G replaced by A.
Protein change: p.Leu486=; no amino-acid change (leucine 486 retained).
Molecular consequence: synonymous variant. On other transcripts: 3 prime UTR variant (1), non-coding transcript variant (1).
Genome position (GRCh38, 1-based): chrX:130,131,790, C>T on the plus strand (G>A on the coding strand, the complement: AIFM1 is on the minus strand). VCF-style: chrX-130131790-C-T. GRCh37 (hg19) VCF-style: chrX-129265765-C-T.
Other names: c.441G>A, p.Leu147= (NM_001130846.4); c.*686G>A (NM_001130847.4); c.1446G>A, p.Leu482= (NM_145812.3).
Identifiers: ClinVar variation 1292077 (VCV001292077.34), dbSNP rs762808288, ClinGen allele CA10515277.